The following is an entry in ClinVar:

NM_000937.5(POLR2A):c.3650A>G (p.Asp1217Gly)

Gene: POLR2A (RNA polymerase II subunit A; plus strand). Cytogenetic location: 17p13.1.
Variant type: single nucleotide variant.
Coding change: c.3650A>G on transcript NM_000937.5 (MANE Select); coding-DNA position 3650, A replaced by G.
Protein change: p.Asp1217Gly; replaces aspartic acid 1217 with glycine.
Molecular consequence: missense variant.
Genome position (GRCh38, 1-based): chr17:7,509,128, A>G. VCF-style: chr17-7509128-A-G. GRCh37 (hg19) VCF-style: chr17-7412447-A-G.
Other names: short protein forms D1217G.
Identifiers: ClinVar variation 3375680 (VCV003375680.1).
Genomic context (GRCh38, chr17:7,509,128, plus strand): 5'-ATGAAATGCCTGACTTTGATGTGGCCCGAATCTCCCCCTGGCTGTTGCGGGTGGAGCTGG[A>G]TCGGAAGCACATGACTGACCGGAAGCTCACCATGGAGCAGATTGCTGAAAAGATCAATGC-3'
Protein context (NP_000928.1, residues 1207-1227): ISPWLLRVEL[Asp1217Gly]RKHMTDRKLT

ClinVar aggregate classification (germline): Uncertain significance (1 of 4 stars; one submission).

Submission:

GeneDx
Classification: Uncertain significance. Last evaluated: 2024-05-09. Review status: criteria provided, single submitter. Criteria: GeneDx Variant Classification Process June 2021. Collection method: clinical testing. Allele origin: germline. Affected: yes.
Comment: Not observed at significant frequency in large population cohorts (gnomAD); In silico analysis supports that this missense variant has a deleterious effect on protein structure/function; Has not been previously published as pathogenic or benign to our knowledge